The following is an entry in ClinVar:

ClinVar aggregate classification (germline): Uncertain significance (1 of 4 stars; one submission).

Conditions:
Charcot-Marie-Tooth disease dominant intermediate F. Identifiers: Orphanet 352670, MedGen C4749463, MONDO:0014074, OMIM 615185.

gnomAD v4.1: 4 of 1,613,808 alleles (0.00025%); highest among the groups gnomAD compares: Non-Finnish European, 0.00034%; no homozygotes.

Submission:

Labcorp Genetics (formerly Invitae), Labcorp
Classification: Uncertain significance for Charcot-Marie-Tooth disease dominant intermediate F. Last evaluated: 2025-06-04. Review status: criteria provided, single submitter. Criteria: Invitae Variant Classification Sherloc (09022015). Collection method: clinical testing. Allele origin: germline.
Comment: This sequence change replaces glycine, which is neutral and non-polar, with alanine, which is neutral and non-polar, at codon 319 of the GNB4 protein (p.Gly319Ala). This variant is not present in population databases (gnomAD no frequency). This variant has not been reported in the literature in individuals affected with GNB4-related conditions. Invitae Evidence Modeling of protein sequence and biophysical properties (such as structural, functional, and spatial information, amino acid conservation, physicochemical variation, residue mobility, and thermodynamic stability) has been performed for this missense variant. However, the output from this modeling did not meet the statistical confidence thresholds required to predict the impact of this variant on GNB4 protein function. In summary, the available evidence is currently insufficient to determine the role of this variant in disease. Therefore, it has been classified as a Variant of Uncertain Significance.

NM_021629.4(GNB4):c.956G>C (p.Gly319Ala)

Gene: GNB4 (G protein subunit beta 4; minus strand). Cytogenetic location: 3q26.33.
Variant type: single nucleotide variant.
Coding change: c.956G>C on transcript NM_021629.4 (MANE Select); coding-DNA position 956, G replaced by C.
Protein change: p.Gly319Ala; replaces glycine 319 with alanine.
Molecular consequence: missense variant.
Genome position (GRCh38, 1-based): chr3:179,401,280, C>G on the plus strand (G>C on the coding strand, the complement: GNB4 is on the minus strand). VCF-style: chr3-179401280-C-G. GRCh37 (hg19) VCF-style: chr3-179119068-C-G.
Other names: short protein forms G319A.
Identifiers: ClinVar variation 4762279 (VCV004762279.1).